The following is an entry in ClinVar:

ClinVar aggregate classification (germline): Uncertain significance. Review status: criteria provided, multiple submitters, no conflicts (2 of 4 stars). 2 submissions from 2 submitters: Uncertain significance (2). Last evaluated 2024-12-09.

Conditions:
Cardiovascular phenotype. Identifiers: MedGen CN230736.
Arrhythmogenic right ventricular dysplasia 11. Also called: Arrhythmogenic Right Ventricular Dysplasia/Cardiomyopathy11; ARRHYTHMOGENIC RIGHT VENTRICULAR DYSPLASIA, FAMILIAL, 11; Arrhythmogenic right ventricular dysplasia 11 with mild palmoplantar keratoderma and woolly hair. Identifiers: MedGen C1864850, MONDO:0012506, OMIM 610476.

Allele frequency attached by ClinVar (database versions not stated): ExAC 0.00001.

Submissions (2):

Labcorp Genetics (formerly Invitae), Labcorp
Classification: Uncertain significance for Arrhythmogenic right ventricular dysplasia 11. Last evaluated: 2024-12-09. Review status: criteria provided, single submitter. Criteria: Invitae Variant Classification Sherloc (09022015). Collection method: clinical testing. Allele origin: germline.
Comment: This sequence change replaces serine, which is neutral and polar, with phenylalanine, which is neutral and non-polar, at codon 752 of the DSC2 protein (p.Ser752Phe). This variant is not present in population databases (gnomAD no frequency). This variant has not been reported in the literature in individuals affected with DSC2-related conditions. ClinVar contains an entry for this variant (Variation ID: 1788507). Invitae Evidence Modeling of protein sequence and biophysical properties (such as structural, functional, and spatial information, amino acid conservation, physicochemical variation, residue mobility, and thermodynamic stability) indicates that this missense variant is not expected to disrupt DSC2 protein function with a negative predictive value of 80%. In summary, the available evidence is currently insufficient to determine the role of this variant in disease. Therefore, it has been classified as a Variant of Uncertain Significance.

Ambry Genetics
Classification: Uncertain significance for Cardiovascular phenotype. Last evaluated: 2022-06-06. Review status: criteria provided, single submitter. Criteria: Ambry Variant Classification Scheme 2023. Collection method: clinical testing. Allele origin: germline.
Comment: The p.S752F variant (also known as c.2255C>T), located in coding exon 15 of the DSC2 gene, results from a C to T substitution at nucleotide position 2255. The serine at codon 752 is replaced by phenylalanine, an amino acid with highly dissimilar properties. This amino acid position is conserved. In addition, this alteration is predicted to be tolerated by in silico analysis. Since supporting evidence is limited at this time, the clinical significance of this alteration remains unclear.

NM_024422.6(DSC2):c.2255C>T (p.Ser752Phe)

Gene: DSC2 (desmocollin 2; minus strand). Cytogenetic location: 18q12.1.
Variant type: single nucleotide variant.
Coding change: c.2255C>T on transcript NM_024422.6 (MANE Select); coding-DNA position 2255, C replaced by T.
Protein change: p.Ser752Phe; replaces serine 752 with phenylalanine.
Molecular consequence: missense variant.
Genome position (GRCh38, 1-based): chr18:31,069,147, G>A on the plus strand (C>T on the coding strand, the complement: DSC2 is on the minus strand). VCF-style: chr18-31069147-G-A. GRCh37 (hg19) VCF-style: chr18-28649113-G-A.
Other names: c.1826C>T, p.Ser609Phe (NM_001406506.1, NM_001406507.1); c.2255C>T, p.Ser752Phe (NM_004949.5); short protein forms S752F, S609F.
Identifiers: ClinVar variation 1788507 (VCV001788507.4), dbSNP rs751699107, ClinGen allele CA035930.